The following is an entry in ClinVar:

ClinVar aggregate classification (germline): Conflicting classifications of pathogenicity. Review status: criteria provided, conflicting classifications (1 of 4 stars). 12 submissions from 12 submitters: Uncertain significance (8); Likely benign (3). 1 of the submissions does not count toward it. Last evaluated 2026-01-10.

Conditions:
BRCA2-related disorder. Also called: BRCA2-related condition; BRCA2-related disorders. Identifiers: MedGen CN239275.
Breast and/or ovarian cancer. Identifiers: MedGen CN221562.
Hereditary cancer-predisposing syndrome. Also called: Hereditary Cancer Syndrome; Neoplastic Syndromes, Hereditary; Hereditary neoplastic syndrome; Tumor predisposition. Identifiers: Orphanet 140162, MedGen C0027672, MeSH D009386, MONDO:0015356.
Hereditary breast ovarian cancer syndrome. Also called: Hereditary breast and ovarian cancer syndrome; Breast and ovarian cancer; BRCA1- and BRCA2-Associated Hereditary Breast and Ovarian Cancer; Hereditary breast and/or ovarian cancer syndrome; Hereditary breast and ovarian cancer; Hereditary breast and ovarian cancer syndrome (HBOC). Identifiers: Orphanet 145, MedGen C0677776, MeSH D061325, MONDO:0003582. Disease mechanism: loss of function.
Breast-ovarian cancer, familial, susceptibility to, 2 (BROVCA2). Also called: BRCA2 Hereditary Breast and Ovarian Cancer. Identifiers: Orphanet 145, MedGen C2675520, MONDO:0012933, OMIM 612555. Disease mechanism: loss of function.

gnomAD v4.1: 5 of 1,612,534 alleles (0.00031%); highest among the groups gnomAD compares: Non-Finnish European, 0.00034%; no homozygotes.

Submissions (12):

Labcorp Genetics (formerly Invitae), Labcorp
Classification: Uncertain significance for Hereditary breast ovarian cancer syndrome. Last evaluated: 2026-01-10. Review status: criteria provided, single submitter. Criteria: Invitae Variant Classification Sherloc (09022015). Collection method: clinical testing. Allele origin: germline.
Comment: This sequence change replaces methionine, which is neutral and non-polar, with arginine, which is basic and polar, at codon 2775 of the BRCA2 protein (p.Met2775Arg). This variant is present in population databases (rs80359073, gnomAD 0.007%). This missense change has been observed in individual(s) with hereditary breast and/or ovarian cancer and prostrate cancer as well as individuals with hereditary breast and/or ovarian cancer (PMID: 24504028, 25111659, 32039725). ClinVar contains an entry for this variant (Variation ID: 52547). Invitae Evidence Modeling of protein sequence and biophysical properties (such as structural, functional, and spatial information, amino acid conservation, physicochemical variation, residue mobility, and thermodynamic stability) indicates that this missense variant is not expected to disrupt BRCA2 protein function with a negative predictive value of 95%. Experimental studies have shown that this missense change does not substantially affect BRCA2 function (PMID: 30696104). In summary, the available evidence is currently insufficient to determine the role of this variant in disease. Therefore, it has been classified as a Variant of Uncertain Significance.

PreventionGenetics, part of Exact Sciences
Classification: Uncertain significance for BRCA2-related condition. Last evaluated: 2025-12-31. Review status: criteria provided, single submitter. Criteria: ACMG Guidelines, 2015. Collection method: clinical testing. Allele origin: germline.
Comment: The BRCA2 c.8324T>G variant is predicted to result in the amino acid substitution p.Met2775Arg. This variant has been reported in individuals with breast cancer, epithelial ovarian cancer, and in an individual from a family with prostate cancer (Table S4, Davies et al. 2017. PubMed ID: 28288110; Maier et al. 2014. PubMed ID: 25111659; Table S1, Cunningham et al. 2014. PubMed ID: 24504028). This variant was also reported in an individual with breast cancer in whom variants in CHEK2 and PMS2 were also identified (da Costa E Silva Carvalho et al. 2020. PubMed ID: 32039725). An in vitro functional study showed that this variant had BRCA2/DSS1 interactions similar to control (Caleca et al. 2019. PubMed ID: 30696104). This variant is reported in 0.0065% of alleles in individuals of European (Non-Finnish) descent in gnomAD and has conflicting interpretations of uncertain and likely benign in ClinVar (Variation ID: 52547). At this time, the clinical significance of this variant is uncertain due to the absence of conclusive functional and genetic evidence.

Quest Diagnostics Nichols Institute San Juan Capistrano
Classification: Uncertain significance. Last evaluated: 2025-09-19. Review status: criteria provided, single submitter. Criteria: Quest Diagnostics criteria. Collection method: clinical testing. Allele origin: unknown.
Comment: The BRCA2 c.8324T>G (p.Met2775Arg) variant has been reported in the published literature in individuals with breast cancer (PMID: 37415649 (2023))32039725 (2020)), prostate cancer (PMID: 25111659 (2014)), and ovarian cancer (PMID: 24504028 (2014)). This variant has also been identified in a reportedly unaffected individual (PMID: 33471991 (2021), see also LOVD). A minigene assay reported that this variant does not result in exon exclusion however that result was not confirmed by RNA analysis (PMID: 21673748 (2011)). Another study using a GFP-reassembly in vitro assay showed that this variant does not affect DSS1 binding (PMID: 30696104 (2019)). In addition, published multifactorial analysis of this variant has predicted that the variant is likely to be neutral (PMIDs: 19043619 (2008) and 31131967 (2019)). The frequency of this variant in the general population (Genome Aggregation Database) is uninformative in the assessment of its pathogenicity. Analysis of this variant using bioinformatics tools for the prediction of the effect of amino acid changes on protein structure and function yielded conflicting predictions that this variant is deleterious or benign. Based on the available information, we are unable to determine the clinical significance of this variant.

Women's Health and Genetics/Laboratory Corporation of America, LabCorp
Classification: Uncertain significance. Last evaluated: 2025-07-09. Review status: criteria provided, single submitter. Criteria: LabCorp Variant Classification Summary - May 2015. Collection method: clinical testing. Allele origin: germline.
Comment: Variant summary: BRCA2 c.8324T>G (p.Met2775Arg) results in a non-conservative amino acid change located in the BRCA2, OB1 domain of the encoded protein sequence. Algorithms developed to predict the effect of missense changes on protein structure and function are either unavailable or do not agree on the potential impact of this missense change. The variant was absent in 247808 control chromosomes. The available data on variant occurrences in the general population are insufficient to allow any conclusion about variant significance. c.8324T>G has been reported in the literature in individuals affected with prostate cancer, ovarian cancer or breast cancer (Maier_2014, Cunningham_2014, Davies_2017, Carvalho_2020). These reports do not provide unequivocal conclusions about association of the variant with Hereditary Breast and Ovarian Cancer. Co-occurrence with a pathogenic variant has been reported (BRCA2 c.8754+4A>G; BIC database), providing supporting evidence for a benign role. Experimental evidence evaluating an impact on protein function demonstrated the variant to confer BRCA2/DSS1 interaction (binding) that was comparable to controls (Caleca_2019). The following publications have been ascertained in the context of this evaluation (PMID: 30696104, 32039725, 24504028, 28288110, 19043619, 25111659, 31131967, 30212499, 21673748, 23893897). ClinVar contains an entry for this variant (Variation ID: 52547). Based on the evidence outlined above, the variant was classified as VUS-possibly benign.

GeneDx
Classification: Uncertain significance. Last evaluated: 2024-02-16. Review status: criteria provided, single submitter. Criteria: GeneDx Variant Classification Process June 2021. Collection method: clinical testing. Allele origin: germline. Affected: yes.
Comment: Published functional studies demonstrate no impact on DSS1 binding (PMID: 30696104); Identified in individuals with prostate, ovarian, or breast cancer (PMID: 25111659, 24504028, 32039725, 28288110); Not observed at significant frequency in large population cohorts (gnomAD); In silico analysis supports that this missense variant does not alter protein structure/function; Also known as 8552T>G; This variant is associated with the following publications: (PMID: 25111659, 21673748, 19043619, 24504028, 10923033, 23893897, 12228710, 30696104, 32377563, 29884841, 32039725, 28288110)

All of Us Research Program, National Institutes of Health
Classification: Likely benign for Breast-ovarian cancer, familial, susceptibility to, 2. Last evaluated: 2023-04-28. Review status: criteria provided, single submitter. Criteria: ACMG Guidelines, 2015. Collection method: clinical testing. Allele origin: germline. Inheritance: Autosomal dominant inheritance. Observed: 1 variant allele, 1 heterozygote.
Comment: This study involves interpretation of variants in research participants for the purpose of population health screening. Participant phenotype was not available at the time of variant classification. Additional details can be found in publication PMID: 35346344, PMCID: PMC8962531

Sema4
Classification: Uncertain significance for Hereditary cancer-predisposing syndrome. Last evaluated: 2021-12-22. Review status: criteria provided, single submitter. Criteria: Sema4 Curation Guidelines. Collection method: curation. Allele origin: germline.
Comment: The BRCA2 c.8324T>G (p.M2775R) variant has been reported in at least three individuals with hereditary breast cancer, ovarian cancer, or prostate cancer (PMID: 32039725, 24504028, 28288110). Functional studies have shown that this variant does not affect BRCA2/DSS1 interaction in vitro (PMID: 30696104). It was observed in 1/15430 chromosomes in the Non-Finnish European subpopulation in the large and broad cohorts of the Genome Aggregation Database (PMID: 32461654). This variant has been reported in ClinVar (Variation ID: 52547). The evidence is insufficient to meet ACMG/AMP criteria for classifying the variant as benign or pathogenic. Thus, the clinical significance of this variant is currently uncertain.

CHEO Genetics Diagnostic Laboratory, Children's Hospital of Eastern Ontario
Classification: Uncertain significance for Breast and/or ovarian cancer. Last evaluated: 2019-08-26. Review status: criteria provided, single submitter. Criteria: ACMG Guidelines, 2015. Collection method: clinical testing. Allele origin: germline. Study: Canadian Open Genetics Repository.

Ambry Genetics
Classification: Likely benign for Hereditary cancer-predisposing syndrome. Last evaluated: 2018-11-27. Review status: criteria provided, single submitter. Criteria: Ambry Variant Classification Scheme 2023. Collection method: clinical testing. Allele origin: germline.

Mendelics
Classification: Uncertain significance for Hereditary breast and ovarian cancer syndrome. Last evaluated: 2018-07-02. Review status: criteria provided, single submitter. Criteria: Mendelics Assertion Criteria 2017. Collection method: clinical testing. Allele origin: unknown.

Color Diagnostics, LLC DBA Color Health
Classification: Likely benign for Hereditary cancer-predisposing syndrome. Last evaluated: 2016-07-05. Review status: criteria provided, single submitter. Criteria: ACMG Guidelines, 2015. Collection method: clinical testing. Allele origin: germline.

Breast Cancer Information Core (BIC) (BRCA2)
Classification: Uncertain significance for Breast-ovarian cancer, familial 2. Last evaluated: 2004-03-30. Review status: no assertion criteria provided. Collection method: clinical testing. Allele origin: germline. Affected: yes. Observed: 1 variant allele. Not counted in ClinVar's aggregate classification.

Literature cited by the submitters: PubMed 24504028 (cited by 4 submitters); PubMed 25111659 (cited by 4 submitters); PubMed 32039725 (cited by 4 submitters); PubMed 30696104 (cited by 4 submitters); PubMed 31131967 (cited by Quest Diagnostics Nichols Institute San Juan Capistrano and Women's Health and Genetics/Laboratory Corporation of America, LabCorp); PubMed 23893897 (cited by Quest Diagnostics Nichols Institute San Juan Capistrano and Women's Health and Genetics/Laboratory Corporation of America, LabCorp); PubMed 21673748 (cited by 3 submitters); PubMed 19043619 (cited by Quest Diagnostics Nichols Institute San Juan Capistrano and Women's Health and Genetics/Laboratory Corporation of America, LabCorp); PubMed 37415649 (cited by Quest Diagnostics Nichols Institute San Juan Capistrano); PubMed 31484976 (cited by Quest Diagnostics Nichols Institute San Juan Capistrano); PubMed 29884841 (cited by Quest Diagnostics Nichols Institute San Juan Capistrano); PubMed 25348012 (cited by Quest Diagnostics Nichols Institute San Juan Capistrano); PubMed 28569743 (cited by Quest Diagnostics Nichols Institute San Juan Capistrano); PubMed 26913838 (cited by Quest Diagnostics Nichols Institute San Juan Capistrano); PubMed 30233647 (cited by Quest Diagnostics Nichols Institute San Juan Capistrano); PubMed 28288110 (cited by 3 submitters); PubMed 33471991 (cited by Quest Diagnostics Nichols Institute San Juan Capistrano); PubMed 30212499 (cited by Women's Health and Genetics/Laboratory Corporation of America, LabCorp).

NM_000059.4(BRCA2):c.8324T>G (p.Met2775Arg)

Gene: BRCA2 (BRCA2 DNA repair associated; plus strand). Cytogenetic location: 13q13.1.
Variant type: single nucleotide variant.
Coding change: c.8324T>G on transcript NM_000059.4 (MANE Select); coding-DNA position 8324, T replaced by G.
Protein change: p.Met2775Arg; replaces methionine 2775 with arginine.
Molecular consequence: missense variant.
Genome position (GRCh38, 1-based): chr13:32,363,526, T>G. VCF-style: chr13-32363526-T-G. GRCh37 (hg19) VCF-style: chr13-32937663-T-G.
Other names: short protein forms M2775R.
Identifiers: ClinVar variation 52547 (VCV000052547.31), dbSNP rs80359073, ClinGen allele CA025574.
Genomic context (GRCh38, chr13:32,363,526, plus strand): 5'-GAGCAGAACTGGTGGGCTCTCCTGATGCCTGTACACCTCTTGAAGCCCCAGAATCTCTTA[T>G]GTTAAAGGTAAATTAATTTGCACTCTTGGTAAAAATCAGTCATTGATTCAGTTAAATTCT-3'
Protein context (NP_000050.3, residues 2765-2785): CTPLEAPESL[Met2775Arg]LKISANSTRP